The following is an entry in ClinVar:

NM_057176.3(BSND):c.685C>T (p.Gln229Ter)

Gene: BSND (barttin CLCNK type accessory subunit beta; plus strand). Cytogenetic location: 1p32.3.
Variant type: single nucleotide variant.
Coding change: c.685C>T on transcript NM_057176.3 (MANE Select); coding-DNA position 685, C replaced by T.
Protein change: p.Gln229Ter; replaces glutamine 229 with a stop codon.
Molecular consequence: nonsense.
Genome position (GRCh38, 1-based): chr1:55,008,350, C>T. VCF-style: chr1-55008350-C-T. GRCh37 (hg19) VCF-style: chr1-55474023-C-T.
Other names: short protein forms Q229*.
Identifiers: ClinVar variation 1722471 (VCV001722471.1), dbSNP rs776088488, ClinGen allele CA871397.

ClinVar aggregate classification (germline): Uncertain significance (1 of 4 stars; one submission).

Allele frequency attached by ClinVar (database versions not stated): gnomAD exomes below 0.00001; ExAC 0.00002.

Submission:

Women's Health and Genetics/Laboratory Corporation of America, LabCorp
Classification: Uncertain significance. Last evaluated: 2022-09-12. Review status: criteria provided, single submitter. Criteria: LabCorp Variant Classification Summary - May 2015. Collection method: clinical testing. Allele origin: germline.
Comment: Variant summary: BSND c.685C>T (p.Gln229X) results in a premature termination codon, in the last exon of the protein and is predicted to cause a truncation of the encoded protein or absence of the protein due to nonsense mediated decay. No downstream truncating variants have been reported in our lab or in HGMD in association with Bartter Syndrome, Type 4a. The variant allele was found at a frequency of 8e-06 in 251390 control chromosomes. The available data on variant occurrences in the general population are insufficient to allow any conclusion about variant significance. To our knowledge, no occurrence of c.685C>T in individuals affected with Bartter Syndrome, Type 4a and no experimental evidence demonstrating its impact on protein function have been reported. No clinical diagnostic laboratories have submitted clinical-significance assessments for this variant to ClinVar after 2014. Based on the evidence outlined above, the variant was classified as uncertain significance.